The following is an entry in ClinVar:

NM_000492.4(CFTR):c.744-11T>C

Gene: CFTR (CF transmembrane conductance regulator; plus strand). Cytogenetic location: 7q31.2.
Variant type: single nucleotide variant.
Coding change: c.744-11T>C on transcript NM_000492.4 (MANE Select); 11 bases into the intron before coding-DNA position 744, T replaced by C.
Molecular consequence: intron variant.
Genome position (GRCh38, 1-based): chr7:117,536,537, T>C. VCF-style: chr7-117536537-T-C. GRCh37 (hg19) VCF-style: chr7-117176591-T-C.
Identifiers: ClinVar variation 495957 (VCV000495957.1), dbSNP rs1554380747, ClinGen allele CA658683490.

ClinVar aggregate classification (germline): Uncertain significance (1 of 4 stars; one submission).

Submission:

Women's Health and Genetics/Laboratory Corporation of America, LabCorp
Classification: Uncertain significance. Last evaluated: 2017-01-31. Review status: criteria provided, single submitter. Criteria: LabCorp Variant Classification Summary - May 2015. Collection method: clinical testing. Allele origin: germline.
Comment: Variant summary: The CFTR c.744-11T>C variant involves the alteration of a non-conserved intronic nucleotide. One in silico tool predicts a damaging outcome for this variant. 3/5 splice prediction tools predict the slight weakening of a canonical splice acceptor site. However, these predictions have yet to be confirmed by functional studies. This variant is absent in 37726 control chromosomes. The variant of interest has not, to our knowledge, been reported in affected individuals via publications and/or reputable databases/clinical diagnostic laboratories; nor evaluated for functional impact by in vivo/vitro studies. Because of the absence of clinical information and the lack of functional studies, the variant is classified as a variant of uncertain significance (VUS) until additional information becomes available.